The following is an entry in ClinVar:

NM_016077.5(PTRH2):c.339G>A (p.Gln113=)

Gene: PTRH2 (peptidyl-tRNA hydrolase 2; minus strand). Cytogenetic location: 17q23.1.
Variant type: single nucleotide variant.
Coding change: c.339G>A on transcript NM_016077.5 (MANE Select); coding-DNA position 339, G replaced by A.
Protein change: p.Gln113=; no amino-acid change (glutamine 113 retained).
Molecular consequence: synonymous variant.
Genome position (GRCh38, 1-based): chr17:59,697,640, C>T on the plus strand (G>A on the coding strand, the complement: PTRH2 is on the minus strand). VCF-style: chr17-59697640-C-T. GRCh37 (hg19) VCF-style: chr17-57775001-C-T.
Other names: c.342G>A, p.Gln114= (NM_001015509.3).
Identifiers: ClinVar variation 3906040 (VCV003906040.10).

ClinVar aggregate classification (germline): Likely benign (1 of 4 stars; one submission).

Submission:

CeGaT Center for Human Genetics Tuebingen
Classification: Likely benign. Last evaluated: 2025-06-01. Review status: criteria provided, single submitter. Criteria: CeGaT Center For Human Genetics Tuebingen Variant Classification Criteria Version 2. Collection method: clinical testing. Allele origin: germline. Affected: yes. Observed: 1 variant allele.
Comment: PTRH2: BP4, BP7